The following is an entry in ClinVar:

NM_001961.4(EEF2):c.1971C>T (p.Thr657=)

Gene: EEF2 (eukaryotic translation elongation factor 2; minus strand). Cytogenetic location: 19p13.3.
Variant type: single nucleotide variant.
Coding change: c.1971C>T on transcript NM_001961.4 (MANE Select); coding-DNA position 1971, C replaced by T.
Protein change: p.Thr657=; no amino-acid change (threonine 657 retained).
Molecular consequence: synonymous variant.
Genome position (GRCh38, 1-based): chr19:3,977,915, G>A on the plus strand (C>T on the coding strand, the complement: EEF2 is on the minus strand). VCF-style: chr19-3977915-G-A. GRCh37 (hg19) VCF-style: chr19-3977913-G-A.
Identifiers: ClinVar variation 3038979 (VCV003038979.2), dbSNP rs148771691, ClinGen allele CA9088713.

ClinVar aggregate classification (germline): Likely benign (0 of 4 stars; one submission).

Conditions:
EEF2-related disorder. Also called: EEF2-related condition.

Allele frequency attached by ClinVar (database versions not stated): ExAC 0.00002; gnomAD exomes 0.00002; TOPMed 0.00003; gnomAD 0.00005; ESP Exome Variant Server 0.00008.

Submission:

PreventionGenetics, part of Exact Sciences
Classification: Likely benign for EEF2-related condition. Last evaluated: 2019-05-28. Review status: no assertion criteria provided. Collection method: clinical testing. Allele origin: germline.
Comment: This variant is classified as likely benign based on ACMG/AMP sequence variant interpretation guidelines (Richards et al. 2015 PMID: 25741868, with internal and published modifications).